The following is an entry in ClinVar:

NM_001034853.2(RPGR):c.1331A>G (p.Asn444Ser)

Gene: RPGR (retinitis pigmentosa GTPase regulator; minus strand). Cytogenetic location: Xp11.4.
Variant type: single nucleotide variant.
Coding change: c.1331A>G on transcript NM_001034853.2 (MANE Select); coding-DNA position 1331, A replaced by G.
Protein change: p.Asn444Ser; replaces asparagine 444 with serine.
Molecular consequence: missense variant. On other transcripts: non-coding transcript variant (6).
Genome position (GRCh38, 1-based): chrX:38,297,367, T>C on the plus strand (A>G on the coding strand, the complement: RPGR is on the minus strand). VCF-style: chrX-38297367-T-C. GRCh37 (hg19) VCF-style: chrX-38156620-T-C.
Other names: c.1331A>G, p.Asn444Ser (NM_000328.3, NM_001367247.1); c.1328A>G, p.Asn443Ser (NM_001367245.1, NM_001367249.1, NM_001367250.1); c.1145A>G, p.Asn382Ser (NM_001367246.1, NM_001367251.1); c.1361A>G, p.Asn454Ser (NM_001367248.1); short protein forms N443S, N382S, N454S, N444S.
Identifiers: ClinVar variation 965838 (VCV000965838.11), dbSNP rs756926974, ClinGen allele CA10385492.

ClinVar aggregate classification (germline): Conflicting classifications of pathogenicity. Review status: criteria provided, conflicting classifications (1 of 4 stars). 2 submissions from 2 submitters: Uncertain significance (1); Likely benign (1). Last evaluated 2024-07-04.

Conditions:
Primary ciliary dyskinesia. Also called: Ciliary dyskinesia. Identifiers: Orphanet 244, MedGen C0008780, MONDO:0016575, HP:0012265.

Allele frequency attached by ClinVar (database versions not stated): ExAC 0.00002; TOPMed 0.00002.
gnomAD v4.1: 27 of 1,206,607 alleles (0.0022%); highest among the groups gnomAD compares: East Asian, 0.0059%; no homozygotes.

Submissions (2):

Blueprint Genetics
Classification: Likely benign. Last evaluated: 2024-07-04. Review status: criteria provided, single submitter. Criteria: ACMG Guidelines, 2015. Collection method: clinical testing. Allele origin: germline.

Labcorp Genetics (formerly Invitae), Labcorp
Classification: Uncertain significance for Primary ciliary dyskinesia. Last evaluated: 2022-09-06. Review status: criteria provided, single submitter. Criteria: Invitae Variant Classification Sherloc (09022015). Collection method: clinical testing. Allele origin: germline.
Comment: In summary, the available evidence is currently insufficient to determine the role of this variant in disease. Therefore, it has been classified as a Variant of Uncertain Significance. Algorithms developed to predict the effect of sequence changes on RNA splicing suggest that this variant may disrupt the consensus splice site. Algorithms developed to predict the effect of missense changes on protein structure and function output the following: SIFT: "Tolerated"; PolyPhen-2: "Benign"; Align-GVGD: "Class C0". The serine amino acid residue is found in multiple mammalian species, which suggests that this missense change does not adversely affect protein function. This sequence change replaces asparagine, which is neutral and polar, with serine, which is neutral and polar, at codon 444 of the RPGR protein (p.Asn444Ser). This variant is present in population databases (rs756926974, gnomAD 0.005%). This variant has not been reported in the literature in individuals affected with RPGR-related conditions. ClinVar contains an entry for this variant (Variation ID: 965838).